The following is an entry in ClinVar:

NM_001378615.1(CC2D2A):c.4331A>G (p.Gln1444Arg)

Genes: CC2D2A (coiled-coil and C2 domain containing 2A; plus strand), FBXL5 (F-box and leucine rich repeat protein 5; minus strand). Cytogenetic location: 4p15.32.
Variant type: single nucleotide variant.
Coding change: c.4331A>G on transcript NM_001378615.1 (MANE Select); coding-DNA position 4331, A replaced by G.
Protein change: p.Gln1444Arg; replaces glutamine 1444 with arginine.
Molecular consequence: missense variant.
Genome position (GRCh38, 1-based): chr4:15,596,101, A>G. VCF-style: chr4-15596101-A-G. GRCh37 (hg19) VCF-style: chr4-15597724-A-G.
Other names: c.4331A>G, p.Gln1444Arg (NM_001080522.2); c.4184A>G, p.Gln1395Arg (NM_001378617.1); short protein forms Q1395R, Q1444R.
Identifiers: ClinVar variation 1317059 (VCV001317059.2), dbSNP rs2148493472, ClinGen allele CA356431467.

ClinVar aggregate classification (germline): Uncertain significance (1 of 4 stars; one submission).

gnomAD v4.1: 1 of 1,547,560 alleles (0.000065%); highest among the groups gnomAD compares: Admixed American, 0.002%; no homozygotes.

Submission:

GeneDx
Classification: Uncertain significance. Last evaluated: 2021-01-21. Review status: criteria provided, single submitter. Criteria: GeneDx Variant Classification Process June 2021. Collection method: clinical testing. Allele origin: germline. Affected: yes.
Comment: Not observed in large population cohorts (Lek et al., 2016); In silico analysis supports that this missense variant has a deleterious effect on protein structure/function